The following is an entry in ClinVar:

NM_000163.5(GHR):c.1807del (p.Ser603fs)

Gene: GHR (growth hormone receptor; plus strand). Cytogenetic location: 5p12.
Variant type: Deletion.
Coding change: c.1807del on transcript NM_000163.5 (MANE Select); coding-DNA position 1807, one base deleted (T; older notation c.1807delT).
Protein change: p.Ser603fs; shifts the reading frame from serine 603.
Molecular consequence: frameshift variant. On other transcripts: 3 prime UTR variant (1).
Genome position (GRCh38, 1-based): chr5:42,719,314, T deleted. VCF-style (leftmost placement, unchanged base first): chr5-42719313-GT-G. GRCh37 (hg19) VCF-style: chr5-42719415-GT-G.
Other names: c.1807del, p.Ser603fs (NM_001242400.2, NM_001242401.4, NM_001242402.2 and 4 more transcripts); c.1741del, p.Ser581fs (NM_001242460.2); c.*849del (NM_001242462.1); c.1828del, p.Ser610fs (NM_001242399.2); c.1807delT (NM_000163.5); short protein forms S581fs, S603fs, S610fs.
Identifiers: ClinVar variation 4857411 (VCV004857411.1).

ClinVar aggregate classification (germline): VUS-low (1 of 4 stars; one submission).

Conditions:
Short stature due to partial GHR deficiency. Also called: Growth hormone, insensitivity to, partial; GROWTH HORMONE DEFICIENCY, ISOLATED PARTIAL; GROWTH HORMONE INSENSITIVITY, PARTIAL. Identifiers: Orphanet 314802, Orphanet 314811, MedGen C1858656, MONDO:0011420, OMIM 604271.

Submission:

Genetic Endocrinology Unit / Unidade de Endocrinologia Genetica - LIM25, Universidade de Sao Paulo (USP)
Classification: VUS-low for Short stature due to partial GHR deficiency. Last evaluated: 2026-06-02. Review status: criteria provided, single submitter. Criteria: ACMG Guidelines, 2015. Collection method: clinical testing. Allele origin: germline. Inheritance: Autosomal dominant inheritance. Affected: yes. Observed: 1 variant allele, 1 heterozygote.
Comment: This variant is absent from population databases (PM2). It is located in the terminal exon of GHR (exon 10), downstream of the tyrosine residues known to mediate STAT5B docking. The variant is not predicted to trigger nonsense-mediated mRNA decay and is expected to remove less than 10% of the protein (PVS1 moderated). Furthermore, the variant segregated poorly with the phenotype, being observed in multiple family members with height within the reference range (BS4). Overall, the available evidence does not support a definitive pathogenic role for this variant.